The following is an entry in ClinVar:

ClinVar aggregate classification (germline): Uncertain significance (0 of 4 stars; one submission).

Conditions:
FEZF2-related disorder. Also called: FEZF2-related condition.

Submission:

PreventionGenetics, part of Exact Sciences
Classification: Uncertain significance for FEZF2-related condition. Last evaluated: 2024-06-01. Review status: no assertion criteria provided. Collection method: clinical testing. Allele origin: germline.
Comment: The FEZF2 c.1077G>C variant is predicted to result in the amino acid substitution p.Lys359Asn. To our knowledge, this variant has not been reported in the literature or in a large population database, indicating this variant is rare. At this time, the clinical significance of this variant is uncertain due to the absence of conclusive functional and genetic evidence.

NM_018008.4(FEZF2):c.1077G>C (p.Lys359Asn)

Gene: FEZF2 (FEZ family zinc finger 2; minus strand). Cytogenetic location: 3p14.2.
Variant type: single nucleotide variant.
Coding change: c.1077G>C on transcript NM_018008.4 (MANE Select); coding-DNA position 1077, G replaced by C.
Protein change: p.Lys359Asn; replaces lysine 359 with asparagine.
Molecular consequence: missense variant.
Genome position (GRCh38, 1-based): chr3:62,371,260, C>G on the plus strand (G>C on the coding strand, the complement: FEZF2 is on the minus strand). VCF-style: chr3-62371260-C-G. GRCh37 (hg19) VCF-style: chr3-62356935-C-G.
Other names: short protein forms K359N.
Identifiers: ClinVar variation 3345055 (VCV003345055.1).
Genomic context (GRCh38, chr3:62,371,260, plus strand): 5'-CTCGCCTGGCACGTTACCTTTTTGGTGAAAGCCTTTGCCGCAAAATTCGCAGACGAAGGG[C>G]TTGTAGCCCGCGTGGATGCGGATATGCGTGTTGAGCGTGGAGCTGCGGTTGAACGCTTTG-3'
Protein context (NP_060478.3, residues 349-369): NTHIRIHAGY[Lys359Asn]PFVCEFCGKG